The following is an entry in ClinVar:

ClinVar aggregate classification (germline): Uncertain significance (1 of 4 stars; one submission).

Allele frequency attached by ClinVar (database versions not stated): ExAC 0.00001.
gnomAD v4.1: 1 of 1,614,116 alleles (0.000062%); highest among the groups gnomAD compares: Admixed American, 0.0017%; no homozygotes.

Submission:

Labcorp Genetics (formerly Invitae), Labcorp
Classification: Uncertain significance. Last evaluated: 2023-07-22. Review status: criteria provided, single submitter. Criteria: Invitae Variant Classification Sherloc (09022015). Collection method: clinical testing. Allele origin: germline.
Comment: This variant has not been reported in the literature in individuals affected with FBLN5-related conditions. In summary, the available evidence is currently insufficient to determine the role of this variant in disease. Therefore, it has been classified as a Variant of Uncertain Significance. Advanced modeling of protein sequence and biophysical properties (such as structural, functional, and spatial information, amino acid conservation, physicochemical variation, residue mobility, and thermodynamic stability) performed at Invitae indicates that this missense variant is expected to disrupt FBLN5 protein function. This variant is present in population databases (rs770416243, gnomAD 0.003%). This sequence change replaces glutamic acid, which is acidic and polar, with glutamine, which is neutral and polar, at codon 291 of the FBLN5 protein (p.Glu291Gln).

NM_006329.4(FBLN5):c.871G>C (p.Glu291Gln)

Gene: FBLN5 (fibulin 5; minus strand). Cytogenetic location: 14q32.12.
Variant type: single nucleotide variant.
Coding change: c.871G>C on transcript NM_006329.4 (MANE Select); coding-DNA position 871, G replaced by C.
Protein change: p.Glu291Gln; replaces glutamic acid 291 with glutamine.
Molecular consequence: missense variant.
Genome position (GRCh38, 1-based): chr14:91,881,410, C>G on the plus strand (G>C on the coding strand, the complement: FBLN5 is on the minus strand). VCF-style: chr14-91881410-C-G. GRCh37 (hg19) VCF-style: chr14-92347754-C-G.
Other names: c.994G>C, p.Glu332Gln (NM_001384158.1); c.922G>C, p.Glu308Gln (NM_001384159.1); c.871G>C, p.Glu291Gln (NM_001384160.1); c.703G>C, p.Glu235Gln (NM_001384161.1, NM_001384162.1); short protein forms E308Q, E235Q, E291Q, E332Q.
Identifiers: ClinVar variation 2793963 (VCV002793963.3), dbSNP rs770416243, ClinGen allele CA7312700.